The following is an entry in ClinVar:

NM_001384900.1(SEMA3D):c.1954A>T (p.Ile652Phe)

Genes: SEMA3D (semaphorin 3D; minus strand), LOC126860094 (BRD4-independent group 4 enhancer GRCh37_chr7:84628763-84629962; plus strand). Cytogenetic location: 7q21.11.
Variant type: single nucleotide variant.
Coding change: c.1954A>T on transcript NM_001384900.1 (MANE Select); coding-DNA position 1954, A replaced by T.
Protein change: p.Ile652Phe; replaces isoleucine 652 with phenylalanine.
Molecular consequence: missense variant.
Genome position (GRCh38, 1-based): chr7:84,999,820, T>A on the plus strand (A>T on the coding strand, the complement: SEMA3D is on the minus strand). VCF-style: chr7-84999820-T-A. GRCh37 (hg19) VCF-style: chr7-84629136-T-A.
Other names: c.1954A>T, p.Ile652Phe (NM_001384901.1, NM_001384902.1, NM_001384903.1 and 1 more transcripts); short protein forms I652F.
Identifiers: ClinVar variation 3349844 (VCV003349844.1).

ClinVar aggregate classification (germline): Uncertain significance (0 of 4 stars; one submission).

Conditions:
SEMA3D-related disorder. Also called: SEMA3D-related condition.

Submission:

PreventionGenetics, part of Exact Sciences
Classification: Uncertain significance for SEMA3D-related condition. Last evaluated: 2024-03-15. Review status: no assertion criteria provided. Collection method: clinical testing. Allele origin: germline.
Comment: The SEMA3D c.1954A>T variant is predicted to result in the amino acid substitution p.Ile652Phe. To our knowledge, this variant has not been reported in the literature or in a large population database, indicating this variant is rare. At this time, the clinical significance of this variant is uncertain due to the absence of conclusive functional and genetic evidence.